The following is an entry in ClinVar:

NM_000222.3(KIT):c.262G>A (p.Glu88Lys)

Gene: KIT (KIT proto-oncogene, receptor tyrosine kinase; plus strand). Cytogenetic location: 4q12.
Variant type: single nucleotide variant.
Coding change: c.262G>A on transcript NM_000222.3 (MANE Select); coding-DNA position 262, G replaced by A.
Protein change: p.Glu88Lys; replaces glutamic acid 88 with lysine.
Molecular consequence: missense variant.
Genome position (GRCh38, 1-based): chr4:54,695,706, G>A. VCF-style: chr4-54695706-G-A. GRCh37 (hg19) VCF-style: chr4-55561872-G-A.
Other names: c.262G>A, p.Glu88Lys (NM_001093772.2, NM_001385284.1, NM_001385285.1 and 4 more transcripts); short protein forms E88K.
Identifiers: ClinVar variation 1720551 (VCV001720551.6), dbSNP rs2109662407, ClinGen allele CA356897193.
Genomic context (GRCh38, chr4:54,695,706, plus strand): 5'-TTTGAGATCCTGGATGAAACGAATGAGAATAAGCAGAATGAATGGATCACGGAAAAGGCA[G>A]AAGCCACCAACACCGGCAAATACACGTGCACCAACAAACACGGCTTAAGCAATTCCATTT-3'
Protein context (NP_000213.1, residues 78-98): KQNEWITEKA[Glu88Lys]ATNTGKYTCT

ClinVar aggregate classification (germline): Uncertain significance (1 of 4 stars; one submission).

Conditions:
Gastrointestinal stromal tumor. Also called: Gastrointestinal stroma tumor; Gastrointestinal stromal tumor, somatic. Identifiers: Orphanet 44890, MedGen C0238198, MeSH D046152, MONDO:0011719, OMIM 606764, HP:0100723.

Submission:

Labcorp Genetics (formerly Invitae), Labcorp
Classification: Uncertain significance for Gastrointestinal stromal tumor. Last evaluated: 2022-09-28. Review status: criteria provided, single submitter. Criteria: Invitae Variant Classification Sherloc (09022015). Collection method: clinical testing. Allele origin: germline.
Comment: This variant is not present in population databases (gnomAD no frequency). This sequence change replaces glutamic acid, which is acidic and polar, with lysine, which is basic and polar, at codon 88 of the KIT protein (p.Glu88Lys). This variant has not been reported in the literature in individuals affected with KIT-related conditions. In summary, the available evidence is currently insufficient to determine the role of this variant in disease. Therefore, it has been classified as a Variant of Uncertain Significance. Algorithms developed to predict the effect of missense changes on protein structure and function output the following: SIFT: "Tolerated"; PolyPhen-2: "Benign"; Align-GVGD: "Class C0". The lysine amino acid residue is found in multiple mammalian species, which suggests that this missense change does not adversely affect protein function.